The following is an entry in ClinVar:

NM_003238.6(TGFB2):c.*39G>A

Gene: TGFB2 (transforming growth factor beta 2; plus strand). Cytogenetic location: 1q41.
Variant type: single nucleotide variant.
Coding change: c.*39G>A on transcript NM_003238.6 (MANE Select); 39 bases downstream of the stop codon, G replaced by A.
Molecular consequence: 3 prime UTR variant. On other transcripts: non-coding transcript variant (2).
Genome position (GRCh38, 1-based): chr1:218,441,401, G>A. VCF-style: chr1-218441401-G-A. GRCh37 (hg19) VCF-style: chr1-218614743-G-A.
Other names: c.*39G>A (NM_001135599.4).
Identifiers: ClinVar variation 295495 (VCV000295495.8), dbSNP rs11466412, ClinGen allele CA1398709.

ClinVar aggregate classification (germline): Benign/Likely benign. Review status: criteria provided, multiple submitters, no conflicts (2 of 4 stars). 3 submissions from 3 submitters: Benign (1); Likely benign (2). Last evaluated 2018-06-19.

Conditions:
Loeys-Dietz syndrome 4 (LDS4). Also called: ANEURYSM, AORTIC AND CEREBRAL, WITH ARTERIAL TORTUOSITY AND SKELETAL MANIFESTATIONS; TGFB2-Related Loeys-Dietz Syndrome. Identifiers: MedGen C3553762, MONDO:0013897, OMIM 614816.

Allele frequency attached by ClinVar (database versions not stated): gnomAD exomes 0.01601 and 0.01673; ExAC 0.01837; TOPMed 0.02118; gnomAD 0.02176 and 0.02204; 1000 Genomes Project 0.02276; ESP Exome Variant Server 0.02299.
gnomAD v4.1: 25,883 of 1,564,748 alleles (1.7%); highest among the groups gnomAD compares: African/African-American, 3.9%; 245 homozygotes.

Submissions (3):

GeneDx
Classification: Likely benign. Last evaluated: 2018-06-19. Review status: criteria provided, single submitter. Criteria: GeneDx Variant Classification Process June 2021. Collection method: clinical testing. Allele origin: germline. Affected: yes.

Illumina Laboratory Services, Illumina
Classification: Benign for Loeys-Dietz syndrome 4. Last evaluated: 2018-01-13. Review status: criteria provided, single submitter. Criteria: ICSL Variant Classification Criteria 13 December 2019. Collection method: clinical testing. Allele origin: germline.
Comment: This variant was observed in the ICSL laboratory as part of a predisposition screen in an ostensibly healthy population. It had not been previously curated by ICSL or reported in the Human Gene Mutation Database (HGMD: prior to June 1st, 2018), and was therefore a candidate for classification through an automated scoring system. Utilizing variant allele frequency, disease prevalence and penetrance estimates, and inheritance mode, an automated score was calculated to assess if this variant is too frequent to cause the disease. Based on the score and internal cut-off values, a variant classified as benign is not then subjected to further curation. The score for this variant resulted in a classification of benign for this disease.

Breakthrough Genomics
Classification: Likely benign. Review status: criteria provided, single submitter. Criteria: ACMG Guidelines, 2015. Collection method: not provided. Allele origin: germline. Inheritance: Autosomal dominant inheritance. Affected: yes.